The following is an entry in ClinVar:

ClinVar aggregate classification (germline): Uncertain significance (1 of 4 stars; one submission).

Conditions:
Amyotrophic lateral sclerosis type 1 (ALS1). Also called: AMYOTROPHIC LATERAL SCLEROSIS 1, FAMILIAL. Identifiers: Orphanet 803, MedGen C1862939, MONDO:0007103, OMIM 105400.
Perry syndrome. Also called: PARKINSONISM WITH ALVEOLAR HYPOVENTILATION AND MENTAL DEPRESSION. Identifiers: Orphanet 178509, MedGen C1868594, MONDO:0008201, OMIM 168605.
Neuronopathy, distal hereditary motor, type 7B. Also called: Distal Hereditary Motor Neuronopathy Type 7B (dHMN7B); NEURONOPATHY, DISTAL HEREDITARY MOTOR, AUTOSOMAL DOMINANT 14; NEURONOPATHY, DISTAL HEREDITARY MOTOR, HARDING TYPE VIIB; NEUROPATHY, DISTAL HEREDITARY MOTOR, HARDING TYPE VIIB; NEUROPATHY, DISTAL HEREDITARY MOTOR, WITH VOCAL CORD PARALYSIS, HARDING TYPE VIIB; HMN VIIB. Identifiers: Orphanet 139589, MedGen C1843315, MONDO:0011879, OMIM 607641.

Allele frequency attached by ClinVar (database versions not stated): gnomAD exomes below 0.00001 and 0.00001; ExAC 0.00001; gnomAD 0.00001.
gnomAD v4.1: 5 of 1,614,036 alleles (0.00031%); no homozygotes.

Submission:

Labcorp Genetics (formerly Invitae), Labcorp
Classification: Uncertain significance for Amyotrophic lateral sclerosis type 1; Neuronopathy, distal hereditary motor, type 7B; Perry syndrome. Last evaluated: 2020-08-26. Review status: criteria provided, single submitter. Criteria: Invitae Variant Classification Sherloc (09022015). Collection method: clinical testing. Allele origin: germline.
Comment: This variant has not been reported in the literature in individuals with DCTN1-related conditions. This sequence change replaces cysteine with tyrosine at codon 1252 of the DCTN1 protein (p.Cys1252Tyr). The cysteine residue is highly conserved and there is a large physicochemical difference between cysteine and tyrosine. This variant is present in population databases (rs773727370, ExAC 0.02%). Algorithms developed to predict the effect of missense changes on protein structure and function (SIFT, PolyPhen-2, Align-GVGD) all suggest that this variant is likely to be disruptive, but these predictions have not been confirmed by published functional studies and their clinical significance is uncertain. In summary, the available evidence is currently insufficient to determine the role of this variant in disease. Therefore, it has been classified as a Variant of Uncertain Significance.

NM_004082.5(DCTN1):c.3755G>A (p.Cys1252Tyr)

Gene: DCTN1 (dynactin subunit 1; minus strand). Cytogenetic location: 2p13.1.
Variant type: single nucleotide variant.
Coding change: c.3755G>A on transcript NM_004082.5 (MANE Select); coding-DNA position 3755, G replaced by A.
Protein change: p.Cys1252Tyr; replaces cysteine 1252 with tyrosine.
Molecular consequence: missense variant. On other transcripts: non-coding transcript variant (1).
Genome position (GRCh38, 1-based): chr2:74,361,581, C>T on the plus strand (G>A on the coding strand, the complement: DCTN1 is on the minus strand). VCF-style: chr2-74361581-C-T. GRCh37 (hg19) VCF-style: chr2-74588708-C-T.
Other names: c.3680G>A, p.Cys1227Tyr (NM_001135040.3); c.3338G>A, p.Cys1113Tyr (NM_001135041.3); c.3629G>A, p.Cys1210Tyr (NM_001190836.2); c.3734G>A, p.Cys1245Tyr (NM_001190837.2); c.3704G>A, p.Cys1235Tyr (NM_001378991.1); c.3686G>A, p.Cys1229Tyr (NM_001378992.1); c.3353G>A, p.Cys1118Tyr (NM_023019.4); short protein forms C1113Y, C1118Y, C1210Y, C1227Y, C1229Y, C1235Y, C1245Y, C1252Y.
Identifiers: ClinVar variation 1020365 (VCV001020365.9), dbSNP rs773727370, ClinGen allele CA1721354.